The following is an entry in ClinVar:

ClinVar aggregate classification (germline): Likely benign. Review status: criteria provided, single submitter (1 of 4 stars). 2 submissions from 2 submitters: Likely benign (1). 1 of the submissions does not count toward it. Last evaluated 2025-06-03.

Conditions:
KRT3-related disorder. Also called: KRT3-related condition.

Allele frequency attached by ClinVar (database versions not stated): gnomAD 0.00005.
gnomAD v4.1: 71 of 1,613,944 alleles (0.0044%); highest among the groups gnomAD compares: Middle Eastern, 0.016%; no homozygotes.

Submissions (2):

Labcorp Genetics (formerly Invitae), Labcorp
Classification: Likely benign. Last evaluated: 2025-06-03. Review status: criteria provided, single submitter. Criteria: Invitae Variant Classification Sherloc (09022015). Collection method: clinical testing. Allele origin: germline.

PreventionGenetics, part of Exact Sciences
Classification: Likely benign for KRT3-related condition. Last evaluated: 2019-07-02. Review status: no assertion criteria provided. Collection method: clinical testing. Allele origin: germline. Not counted in ClinVar's aggregate classification.
Comment: This variant is classified as likely benign based on ACMG/AMP sequence variant interpretation guidelines (Richards et al. 2015 PMID: 25741868, with internal and published modifications).

NM_057088.3(KRT3):c.1161C>G (p.Ala387=)

Gene: KRT3 (keratin 3; minus strand). Cytogenetic location: 12q13.13.
Variant type: single nucleotide variant.
Coding change: c.1161C>G on transcript NM_057088.3 (MANE Select); coding-DNA position 1161, C replaced by G.
Protein change: p.Ala387=; no amino-acid change (alanine 387 retained).
Molecular consequence: synonymous variant.
Genome position (GRCh38, 1-based): chr12:52,792,266, G>C on the plus strand (C>G on the coding strand, the complement: KRT3 is on the minus strand). VCF-style: chr12-52792266-G-C. GRCh37 (hg19) VCF-style: chr12-53186050-G-C.
Identifiers: ClinVar variation 3042885 (VCV003042885.3), dbSNP rs374548119, ClinGen allele CA6588003.